The following is an entry in ClinVar:

ClinVar aggregate classification (germline): Likely benign. Review status: criteria provided, multiple submitters, no conflicts (2 of 4 stars). 2 submissions from 2 submitters: Likely benign (2). Last evaluated 2026-01-05.

Conditions:
Familial cancer of breast. Also called: hereditary breast carcinoma; Hereditary breast cancer; BREAST CANCER, FAMILIAL. Identifiers: Orphanet 227535, MedGen C0346153, MONDO:0016419, OMIM 114480. Disease mechanism: loss of function.

Submissions (2):

Labcorp Genetics (formerly Invitae), Labcorp
Classification: Likely benign for Familial cancer of breast. Last evaluated: 2026-01-05. Review status: criteria provided, single submitter. Criteria: Invitae Variant Classification Sherloc (09022015). Collection method: clinical testing. Allele origin: germline.

Myriad Genetics, Inc.
Classification: Likely benign for Familial cancer of breast. Last evaluated: 2025-01-10. Review status: criteria provided, single submitter. Criteria: Myriad Autosomal Dominant, Autosomal Recessive and X-Linked Classification Criteria (2023). Collection method: clinical testing. Allele origin: unknown.
Comment: This variant is considered likely benign. This variant is intronic and is not expected to impact mRNA splicing.

NM_024675.4(PALB2):c.212-8del

Gene: PALB2 (partner and localizer of BRCA2; minus strand). Cytogenetic location: 16p12.2.
Variant type: Deletion.
Coding change: c.212-8del on transcript NM_024675.4 (MANE Select); 8 bases into the intron before coding-DNA position 212, one base deleted (C; older notation c.212-8delC).
Molecular consequence: intron variant.
Genome position (GRCh38, 1-based): chr16:23,636,342, G deleted on the plus strand (C on the coding strand, the reverse complement: PALB2 is on the minus strand); the first of 2 consecutive G bases (chr16:23,636,342-23,636,343); deleting either gives the same sequence. VCF-style (leftmost placement, unchanged base first): chr16-23636341-AG-A. GRCh37 (hg19) VCF-style: chr16-23647662-AG-A.
Other names: c.-674-8del (NM_001407308.1, NM_001407306.1, NM_001407307.1 and 5 more transcripts); c.48+4768del (NM_001407314.1); c.-105+4768del (NM_001407313.1, NM_001407312.1); c.152-8del (NM_001407296.1); c.212-8del (NM_001407297.1, NM_001407302.1, NM_001407298.1 and 3 more transcripts).
Identifiers: ClinVar variation 2700584 (VCV002700584.4), dbSNP rs2506520174, ClinGen allele CA2632328086.
Genomic context (GRCh38, chr16:23,636,341, plus strand): 5'-CAAGATGGGTTTTGATGTGTAACTTGTCATAAACACATATTTTATTTTTAGGTTCTGAGG[AG>A]GAAAAAAATGTATATAACTTATATTTTTCTTATAAAATAAAACAAAAAATACTCATTTTT-3'